The following is an entry in ClinVar:

ClinVar aggregate classification (germline): Likely benign. Review status: criteria provided, multiple submitters, no conflicts (2 of 4 stars). 3 submissions from 3 submitters: Likely benign (3). Last evaluated 2025-05-03.

Conditions:
Juvenile polyposis/hereditary hemorrhagic telangiectasia syndrome (JPHT). Also called: JP/HHT SYNDROME; JUVENILE POLYPOSIS WITH HEREDITARY HEMORRHAGIC TELANGIECTASIA; POLYPOSIS, GENERALIZED JUVENILE, WITH PULMONARY ARTERIOVENOUS MALFORMATION; TELANGIECTASIA, HEREDITARY HEMORRHAGIC, WITH JUVENILE POLYPOSIS COLI; Juvenile Polyposis Syndrome / Hereditary Hemorrhagic Telangiectasia (JPS/HHT). Identifiers: Orphanet 2929, MedGen C1832942, MONDO:0008278, OMIM 175050.
Juvenile polyposis syndrome (JPS). Identifiers: Orphanet 2929, MedGen C0345893, MONDO:0017380, OMIM 174900.
Hereditary cancer-predisposing syndrome. Also called: Hereditary Cancer Syndrome; Neoplastic Syndromes, Hereditary; Hereditary neoplastic syndrome; Tumor predisposition. Identifiers: Orphanet 140162, MedGen C0027672, MeSH D009386, MONDO:0015356.
Familial thoracic aortic aneurysm and aortic dissection (TAAD). Also called: Thoracic aortic aneurysms and dissections. Identifiers: Orphanet 91387, MedGen C4707243, MONDO:0019625.

Submissions (3):

Ambry Genetics
Classification: Likely benign for Hereditary cancer-predisposing syndrome; Familial thoracic aortic aneurysm and aortic dissection. Last evaluated: 2025-05-03. Review status: criteria provided, single submitter. Criteria: Ambry Variant Classification Scheme 2023. Collection method: clinical testing. Allele origin: germline.

Myriad Genetics, Inc.
Classification: Likely benign for Juvenile polyposis/hereditary hemorrhagic telangiectasia syndrome. Last evaluated: 2025-03-19. Review status: criteria provided, single submitter. Criteria: Myriad Autosomal Dominant, Autosomal Recessive and X-Linked Classification Criteria (2023). Collection method: clinical testing. Allele origin: unknown.
Comment: This variant is considered likely benign. This variant is intronic and is not expected to impact mRNA splicing.

Labcorp Genetics (formerly Invitae), Labcorp
Classification: Likely benign for Juvenile polyposis syndrome. Last evaluated: 2019-11-04. Review status: criteria provided, single submitter. Criteria: Invitae Variant Classification Sherloc (09022015). Collection method: clinical testing. Allele origin: germline.

NM_005359.6(SMAD4):c.455-4A>T

Gene: SMAD4 (SMAD family member 4; plus strand). Cytogenetic location: 18q21.2.
Variant type: single nucleotide variant.
Coding change: c.455-4A>T on transcript NM_005359.6 (MANE Select); 4 bases into the intron before coding-DNA position 455, A replaced by T.
Molecular consequence: intron variant.
Genome position (GRCh38, 1-based): chr18:51,054,777, A>T. VCF-style: chr18-51054777-A-T. GRCh37 (hg19) VCF-style: chr18-48581147-A-T.
Other names: c.455-4A>T (NM_005359.5).
Identifiers: ClinVar variation 1119187 (VCV001119187.11), dbSNP rs1599186761, ClinGen allele CA2499225203.
Genomic context (GRCh38, chr18:51,054,777, plus strand): 5'-AAGATTTTTTTTTCTGGGAATAGAAGCTTATAAAAATTTAAAATATGTTTAATTTTCTAT[A>T]TAGCTCCATCAAGTATGATGGTGAAGGATGAATATGTGCATGACTTTGAGGGACAGCCAT-3'